The following is an entry in ClinVar:

NM_001370259.2(MEN1):c.1400_1413del (p.Ala467fs)

Gene: MEN1 (menin 1; minus strand). Cytogenetic location: 11q13.1.
Variant type: Deletion.
Coding change: c.1400_1413del on transcript NM_001370259.2 (MANE Select); coding-DNA positions 1400 to 1413, 14 bases deleted (CCGAGGAGCCGTGG).
Protein change: p.Ala467fs; shifts the reading frame from alanine 467.
Molecular consequence: frameshift variant.
Genome position (GRCh38, 1-based): chr11:64,804,754-64,804,767, CCACGGCTCCTCGG deleted on the plus strand (CCGAGGAGCCGTGG on the coding strand, the reverse complement: MEN1 is on the minus strand); deleting any 14 consecutive bases within chr11:64,804,754-64,804,769 gives the same sequence; the c. name uses the placement nearest the transcript's 3' end. VCF-style (leftmost placement, unchanged base first): chr11-64804753-CCCACGGCTCCTCGG-C. GRCh37 (hg19) VCF-style: chr11-64572225-CCCACGGCTCCTCGG-C.
Other names: c.1400_1413delCCGAGGAGCCGTGG (NM_130799.2); c.1295_1308del, p.Ala432fs (NM_001370263.2, NM_001370262.2); c.1400_1413del, p.Ala467fs (NM_130799.3, NM_001370260.2, NM_001370261.2); c.1415_1428del, p.Ala472fs (NM_130800.3, NM_130801.3, NM_130802.3 and 3 more transcripts); c.1400_1413del14 (NM_130799.2); c.1526_1539del, p.Ala509fs (NM_001370251.2); short protein forms A432fs, A467fs, A472fs, A509fs.
Identifiers: ClinVar variation 657179 (VCV000657179.15), dbSNP rs1592633463, ClinGen allele CA915948599.

ClinVar aggregate classification (germline): Pathogenic. Review status: criteria provided, multiple submitters, no conflicts (2 of 4 stars). 3 submissions from 3 submitters: Pathogenic (3). Last evaluated 2024-10-29.

Conditions:
Hereditary cancer-predisposing syndrome. Also called: Neoplastic Syndromes, Hereditary; Hereditary neoplastic syndrome; Hereditary Cancer Syndrome; Tumor predisposition. Identifiers: Orphanet 140162, MedGen C0027672, MeSH D009386, MONDO:0015356.
Multiple endocrine neoplasia, type 1 (MEN1). Also called: Endocrine adenomatosis multiple; MEN 1; MEN I; WERMER SYNDROME; MEA I. Identifiers: Orphanet 652, MedGen C0025267, MeSH D018761, MONDO:0007540, OMIM 131100.

Submissions (3):

Labcorp Genetics (formerly Invitae), Labcorp
Classification: Pathogenic for Multiple endocrine neoplasia, type 1. Last evaluated: 2024-10-29. Review status: criteria provided, single submitter. Criteria: Invitae Variant Classification Sherloc (09022015). Collection method: clinical testing. Allele origin: germline.
Comment: This sequence change creates a premature translational stop signal (p.Ala467Glyfs*59) in the MEN1 gene. While this is not anticipated to result in nonsense mediated decay, it is expected to disrupt the last 144 amino acid(s) of the MEN1 protein. This variant is not present in population databases (gnomAD no frequency). This premature translational stop signal has been observed in individual(s) with multiple endocrine neoplasia type 1 (MEN1) (PMID: 17853334). This variant is also known as 1509del14. ClinVar contains an entry for this variant (Variation ID: 657179). This variant disrupts a region of the MEN1 protein in which other variant(s) (p.Gln554*) have been determined to be pathogenic (PMID: 11578300, 17158764, 17853334). This suggests that this is a clinically significant region of the protein, and that variants that disrupt it are likely to be disease-causing. For these reasons, this variant has been classified as Pathogenic.

Ambry Genetics
Classification: Pathogenic for Hereditary cancer-predisposing syndrome. Last evaluated: 2022-03-21. Review status: criteria provided, single submitter. Criteria: Ambry Variant Classification Scheme 2023. Collection method: clinical testing. Allele origin: germline.
Comment: The c.1400_1413del14 pathogenic mutation, located in coding exon 9 of the MEN1 gene, results from a deletion of 14 nucleotides at nucleotide positions 1400 to 1413, causing a translational frameshift with a predicted alternate stop codon (p.A467Gfs*59). This alteration occurs at the 3' terminus of theMEN1 gene, is not expected to trigger nonsense-mediated mRNA decay, and impacts the last 144 amino acids of the protein. However, premature stop codons are typically deleterious in nature and the impacted region is critical for protein function (Ambry internal data). This alteration, also referred to as 1509del14 in the literature, has been reported in several individuals with multiple endocrine neoplasia type 1 (MEN1) (Schaaf L et al. Exp Clin Endocrinol Diabetes, 2007 Sep;115:509-17; Manoharan J et al. World J Surg, 2017 08;41:2026-2032; Shariq OA et al. Surgery, 2022 01;171:77-87). Additionally, other truncating alterations downstream have been observed in individuals with a personal and/or family history that is consistent with MEN1-related disease (Ambry internal data).This variant is also considered to be rare based on population cohorts in the Genome Aggregation Database (gnomAD). Based on the supporting evidence, this alteration is interpreted as a disease-causing mutation.

Women's Health and Genetics/Laboratory Corporation of America, LabCorp
Classification: Pathogenic for Multiple endocrine neoplasia, type 1. Last evaluated: 2022-01-05. Review status: criteria provided, single submitter. Criteria: LabCorp Variant Classification Summary - May 2015. Collection method: clinical testing. Allele origin: germline.
Comment: Variant summary: MEN1 c.1400_1413del14 (p.Ala467GlyfsX59) results in a premature termination codon, predicted to cause a truncation of the encoded protein or absence of the protein due to nonsense mediated decay, which are commonly known mechanisms for disease. Truncations downstream of this position have been classified as pathogenic by our laboratory and HGMD. This variant is also known as c.1385_1398del14, p.Ala462GlyfsX59 in HGVS and 1509del14 in the literature. The variant was absent in 226168 control chromosomes (gnomAD). c.1400_1413del14 has been reported in the literature in multiple individuals affected with Multiple Endocrine Neoplasia (examples: Schaaf_2007 and Shariq_2022). These data indicate that the variant is associated with disease. One experimental study has demonstrated a truncation at the amino acid residue 527 (one amino acid downstream of the current truncation) abrogates the ability of MEN1 to bind DNA and repress cell proliferation (La_2004). One clinical diagnostic laboratory has submitted clinical-significance assessments for this variant to ClinVar after 2014 and classified the variant as pathogenic. Based on the evidence outlined above, the variant was classified as pathogenic.

Literature cited by the submitters: PubMed 17853334 (cited by 3 submitters); PubMed 11578300 (cited by Labcorp Genetics (formerly Invitae), Labcorp); PubMed 17158764 (cited by Labcorp Genetics (formerly Invitae), Labcorp); PubMed 28321559 (cited by Ambry Genetics); PubMed 34183184 (cited by Ambry Genetics and Women's Health and Genetics/Laboratory Corporation of America, LabCorp); PubMed 15331604 (cited by Women's Health and Genetics/Laboratory Corporation of America, LabCorp).